The following is an entry in ClinVar:

ClinVar aggregate classification (germline): Likely pathogenic. Review status: criteria provided, multiple submitters, no conflicts (2 of 4 stars). 4 submissions from 4 submitters: Likely pathogenic (3). 1 of the submissions does not count toward it. Last evaluated 2024-01-05.

Conditions:
CLN3-related disorders.
Neuronal ceroid lipofuscinosis. Also called: Neuronal Ceroid Lipofuscinoses. Identifiers: Orphanet 216, Orphanet 79263, MedGen C0027877, MONDO:0016295. Disease mechanism: loss of function.
Neuronal ceroid lipofuscinosis 3 (CLN3). Identifiers: Orphanet 228346, MedGen C0751383, MONDO:0008767, OMIM 204200.

Allele frequency attached by ClinVar (database versions not stated): gnomAD exomes below 0.00001; gnomAD 0.00001; TOPMed 0.00001.
gnomAD v4.1: 5 of 1,613,970 alleles (0.00031%); highest among the groups gnomAD compares: Non-Finnish European, 0.00017%; no homozygotes.

Submissions (5):

Baylor Genetics
Classification: Likely pathogenic for Neuronal ceroid lipofuscinosis 3. Last evaluated: 2024-01-05. Review status: criteria provided, single submitter. Criteria: ACMG Guidelines, 2015. Collection method: clinical testing. Allele origin: unknown.

Labcorp Genetics (formerly Invitae), Labcorp
Classification: Likely pathogenic for Neuronal ceroid lipofuscinosis. Last evaluated: 2023-11-28. Review status: criteria provided, single submitter. Criteria: Invitae Variant Classification Sherloc (09022015). Collection method: clinical testing. Allele origin: germline.
Comment: This sequence change affects an acceptor splice site in intron 2 of the CLN3 gene. It is expected to disrupt RNA splicing. Variants that disrupt the donor or acceptor splice site typically lead to a loss of protein function (PMID: 16199547), and loss-of-function variants in CLN3 are known to be pathogenic (PMID: 9311735, 28542676). This variant is not present in population databases (gnomAD no frequency). This variant has not been reported in the literature in individuals affected with CLN3-related conditions. ClinVar contains an entry for this variant (Variation ID: 554608). Algorithms developed to predict the effect of sequence changes on RNA splicing suggest that this variant may disrupt the consensus splice site. In summary, the currently available evidence indicates that the variant is pathogenic, but additional data are needed to prove that conclusively. Therefore, this variant has been classified as Likely Pathogenic.

Blueprint Genetics
Classification: Likely pathogenic for CLN3-related disorders. Last evaluated: 2022-08-29. Review status: criteria provided, single submitter. Criteria: ACMG Guidelines, 2015. Collection method: clinical testing. Allele origin: germline. Affected: yes. Observed: 1 variant allele.

Counsyl
Classification: Likely pathogenic for Neuronal ceroid lipofuscinosis 3. Last evaluated: 2017-10-27. Review status: no assertion criteria provided. Collection method: clinical testing. Allele origin: unknown. Not counted in ClinVar's aggregate classification.

Dr. Peter K. Rogan Lab, Western University
No classification provided (evidence only). Condition: Sarcoma. Review status: no classification provided. Collection method: in vitro. Allele origin: not applicable. Functional consequence: skipped exon, retained intron. Not counted in ClinVar's aggregate classification.

Literature cited by the submitters: PubMed 16199547 (cited by Labcorp Genetics (formerly Invitae), Labcorp); PubMed 9311735 (cited by Labcorp Genetics (formerly Invitae), Labcorp); PubMed 28542676 (cited by Labcorp Genetics (formerly Invitae), Labcorp).

NM_001042432.2(CLN3):c.47-1G>A

Gene: CLN3 (CLN3 lysosomal/endosomal transmembrane protein, battenin; minus strand). Cytogenetic location: 16p12.1.
Variant type: single nucleotide variant.
Coding change: c.47-1G>A on transcript NM_001042432.2 (MANE Select); the canonical splice acceptor site of the intron before coding-DNA position 47, G replaced by A.
Molecular consequence: splice acceptor variant. On other transcripts: intron variant (3).
Genome position (GRCh38, 1-based): chr16:28,491,561, C>T on the plus strand (G>A on the coding strand, the complement: CLN3 is on the minus strand). VCF-style: chr16-28491561-C-T. GRCh37 (hg19) VCF-style: chr16-28502882-C-T.
Other names: c.-38+153G>A (NM_001286109.2, NM_001286110.2); c.47-1G>A (NM_001286104.2, NM_000086.2); c.-96+153G>A (NM_001286105.2).
Identifiers: ClinVar variation 554608 (VCV000554608.19), dbSNP rs1555469477, ClinGen allele CA395347181.
Genomic context (GRCh38, chr16:28,491,561, plus strand): 5'-TCCAATGCGCGCCCTGATGGTCCAACAGAGGGAGCCGGGGCTCCGGGACGGTCTCCTCCC[C>T]TGGGAGAGCGAGAAGAGGGCATGACCCCCACCTACTCTCAGGTGCACGACCGCTCCTTGC-3'